The following is an entry in ClinVar:

ClinVar aggregate classification (germline): Uncertain significance (1 of 4 stars; one submission).

Conditions:
Hereditary nonpolyposis colorectal neoplasms. Identifiers: MedGen C0009405, MeSH D003123.

Submission:

Labcorp Genetics (formerly Invitae), Labcorp
Classification: Uncertain significance for Hereditary nonpolyposis colorectal neoplasms. Last evaluated: 2025-03-19. Review status: criteria provided, single submitter. Criteria: Invitae Variant Classification Sherloc (09022015). Collection method: clinical testing. Allele origin: germline.
Comment: This sequence change replaces proline, which is neutral and non-polar, with alanine, which is neutral and non-polar, at codon 362 of the MSH6 protein (p.Pro362Ala). This variant is not present in population databases (gnomAD no frequency). This variant has not been reported in the literature in individuals affected with MSH6-related conditions. ClinVar contains an entry for this variant (Variation ID: 1350133). Invitae Evidence Modeling of protein sequence and biophysical properties (such as structural, functional, and spatial information, amino acid conservation, physicochemical variation, residue mobility, and thermodynamic stability) indicates that this missense variant is not expected to disrupt MSH6 protein function with a negative predictive value of 95%. In summary, the available evidence is currently insufficient to determine the role of this variant in disease. Therefore, it has been classified as a Variant of Uncertain Significance.

NM_000179.3(MSH6):c.1084C>G (p.Pro362Ala)

Gene: MSH6 (mutS homolog 6; plus strand). Cytogenetic location: 2p16.3.
Variant type: single nucleotide variant.
Coding change: c.1084C>G on transcript NM_000179.3 (MANE Select); coding-DNA position 1084, C replaced by G.
Protein change: p.Pro362Ala; replaces proline 362 with alanine.
Molecular consequence: missense variant.
Genome position (GRCh38, 1-based): chr2:47,799,067, C>G. VCF-style: chr2-47799067-C-G. GRCh37 (hg19) VCF-style: chr2-48026206-C-G.
Other names: c.694C>G, p.Pro232Ala (NM_001281492.2); c.178C>G, p.Pro60Ala (NM_001281493.2, NM_001281494.2); short protein forms P232A, P362A, P60A.
Identifiers: ClinVar variation 1350133 (VCV001350133.8), dbSNP rs2104318533, ClinGen allele CA346741811.